The following is an entry in ClinVar:

ClinVar aggregate classification (germline): Uncertain significance (1 of 4 stars; one submission).

Conditions:
Carnitine palmitoyltransferase II deficiency. Also called: Carnitine Palmitoyltransferase 2 Deficiency. Identifiers: Orphanet 157, MedGen C0342790, MONDO:0015515.

Submission:

Labcorp Genetics (formerly Invitae), Labcorp
Classification: Uncertain significance for Carnitine palmitoyltransferase II deficiency. Last evaluated: 2021-03-10. Review status: criteria provided, single submitter. Criteria: Invitae Variant Classification Sherloc (09022015). Collection method: clinical testing. Allele origin: germline.
Comment: In summary, the available evidence is currently insufficient to determine the role of this variant in disease. Therefore, it has been classified as a Variant of Uncertain Significance. Advanced modeling of protein sequence and biophysical properties (such as structural, functional, and spatial information, amino acid conservation, physicochemical variation, residue mobility, and thermodynamic stability) performed at Invitae indicates that this missense variant is not expected to disrupt CPT2 protein function. This sequence change replaces serine with threonine at codon 280 of the CPT2 protein (p.Ser280Thr). The serine residue is weakly conserved and there is a small physicochemical difference between serine and threonine. This variant is not present in population databases (ExAC no frequency). This variant has not been reported in the literature in individuals with CPT2-related conditions.

NM_000098.3(CPT2):c.839G>C (p.Ser280Thr)

Gene: CPT2 (carnitine palmitoyltransferase 2; plus strand). Cytogenetic location: 1p32.3.
Variant type: single nucleotide variant.
Coding change: c.839G>C on transcript NM_000098.3 (MANE Select); coding-DNA position 839, G replaced by C.
Protein change: p.Ser280Thr; replaces serine 280 with threonine.
Molecular consequence: missense variant.
Genome position (GRCh38, 1-based): chr1:53,210,513, G>C. VCF-style: chr1-53210513-G-C. GRCh37 (hg19) VCF-style: chr1-53676185-G-C.
Other names: c.839G>C, p.Ser280Thr (NM_001330589.2); short protein forms S280T.
Identifiers: ClinVar variation 1515892 (VCV001515892.8), dbSNP rs2100272838, ClinGen allele CA340393887.